The following is an entry in ClinVar:

NM_017777.4(MKS1):c.695G>C (p.Ser232Thr)

Gene: MKS1 (MKS transition zone complex subunit 1; minus strand). Cytogenetic location: 17q22.
Variant type: single nucleotide variant.
Coding change: c.695G>C on transcript NM_017777.4 (MANE Select); coding-DNA position 695, G replaced by C.
Protein change: p.Ser232Thr; replaces serine 232 with threonine.
Molecular consequence: missense variant.
Genome position (GRCh38, 1-based): chr17:58,213,819, C>G on the plus strand (G>C on the coding strand, the complement: MKS1 is on the minus strand). VCF-style: chr17-58213819-C-G. GRCh37 (hg19) VCF-style: chr17-56291180-C-G.
Other names: c.86G>C, p.Ser29Thr (NM_001321268.2); c.695G>C, p.Ser232Thr (NM_001321269.2, NM_001330397.2); short protein forms S232T, S29T.
Identifiers: ClinVar variation 651697 (VCV000651697.8), dbSNP rs1422512368, ClinGen allele CA400326687.

ClinVar aggregate classification (germline): Uncertain significance. Review status: criteria provided, multiple submitters, no conflicts (2 of 4 stars). 2 submissions from 2 submitters: Uncertain significance (2). Last evaluated 2025-11-06.

Conditions:
MKS1-related disorder. Also called: MKS1-related disorders; MKS1-related condition. Identifiers: MedGen CN239382.
Meckel-Gruber syndrome. Also called: DYSENCEPHALIA SPLANCHNOCYSTICA; GRUBER SYNDROME; Dysencephalia splachnocystica. Identifiers: Orphanet 564, MedGen C0265215, MONDO:0018921.
Joubert syndrome. Also called: Familial aplasia of the vermis; JOUBERT-BOLTSHAUSER SYNDROME. Identifiers: Orphanet 475, MedGen C5979921, MONDO:0018772.

Allele frequency attached by ClinVar (database versions not stated): gnomAD exomes below 0.00001.

Submissions (2):

PreventionGenetics, part of Exact Sciences
Classification: Uncertain significance for MKS1-related condition. Last evaluated: 2025-11-06. Review status: criteria provided, single submitter. Criteria: ACMG Guidelines, 2015. Collection method: clinical testing. Allele origin: germline.
Comment: The MKS1 c.695G>C variant is predicted to result in the amino acid substitution p.Ser232Thr. To our knowledge, this variant has not been reported in the literature. This variant is reported in 0.0029% of alleles in individuals of Latino descent in gnomAD. At this time, the clinical significance of this variant is uncertain due to the absence of conclusive functional and genetic evidence.

Labcorp Genetics (formerly Invitae), Labcorp
Classification: Uncertain significance for Joubert syndrome; Meckel-Gruber syndrome. Last evaluated: 2021-09-01. Review status: criteria provided, single submitter. Criteria: Invitae Variant Classification Sherloc (09022015). Collection method: clinical testing. Allele origin: germline.
Comment: This sequence change replaces serine with threonine at codon 232 of the MKS1 protein (p.Ser232Thr). The serine residue is moderately conserved and there is a small physicochemical difference between serine and threonine. This variant is not present in population databases (ExAC no frequency). This variant has not been reported in the literature in individuals affected with MKS1-related conditions. Algorithms developed to predict the effect of missense changes on protein structure and function (SIFT, PolyPhen-2, Align-GVGD) all suggest that this variant is likely to be tolerated. In summary, the available evidence is currently insufficient to determine the role of this variant in disease. Therefore, it has been classified as a Variant of Uncertain Significance.